The following is an entry in ClinVar:

ClinVar aggregate classification (germline): Uncertain significance (1 of 4 stars; one submission).

Submission:

Labcorp Genetics (formerly Invitae), Labcorp
Classification: Uncertain significance. Last evaluated: 2021-11-23. Review status: criteria provided, single submitter. Criteria: Invitae Variant Classification Sherloc (09022015). Collection method: clinical testing. Allele origin: germline.
Comment: This sequence change falls in intron 8 of the POLE gene. It does not directly change the encoded amino acid sequence of the POLE protein. It affects a nucleotide within the consensus splice site. This variant is not present in population databases (gnomAD no frequency). This variant has not been reported in the literature in individuals affected with POLE-related conditions. ClinVar contains an entry for this variant (Variation ID: 642841). Variants that disrupt the consensus splice site are a relatively common cause of aberrant splicing (PMID: 17576681, 9536098). Algorithms developed to predict the effect of sequence changes on RNA splicing suggest that this variant is not likely to affect RNA splicing. In summary, the available evidence is currently insufficient to determine the role of this variant in disease. Therefore, it has been classified as a Variant of Uncertain Significance.

Literature cited by the submitters: PubMed 17576681; PubMed 9536098.

NM_006231.4(POLE):c.802-3C>T

Gene: POLE (DNA polymerase epsilon, catalytic subunit; minus strand). Cytogenetic location: 12q24.33.
Variant type: single nucleotide variant.
Coding change: c.802-3C>T on transcript NM_006231.4 (MANE Select); 3 bases into the intron before coding-DNA position 802, C replaced by T.
Molecular consequence: intron variant.
Genome position (GRCh38, 1-based): chr12:132,676,656, G>A on the plus strand (C>T on the coding strand, the complement: POLE is on the minus strand). VCF-style: chr12-132676656-G-A. GRCh37 (hg19) VCF-style: chr12-133253242-G-A.
Identifiers: ClinVar variation 642841 (VCV000642841.6), dbSNP rs1593079733, ClinGen allele CA915946764.